The following is an entry in ClinVar:

ClinVar aggregate classification (germline): Pathogenic. Review status: criteria provided, multiple submitters, no conflicts (2 of 4 stars). 3 submissions from 2 submitters: Pathogenic (3). Last evaluated 2025-12-23.

Conditions:
Coffin-Siris syndrome 1 (CSS1). Also called: ARID1B-Related Coffin-Siris Syndrome; Mental retardation, autosomal dominant 12. Identifiers: Orphanet 1465, MedGen C3281201, MONDO:0007617, OMIM 135900. Disease mechanism: gain of function.
ARID1B-related BAFopathy.

Submissions (3):

3billion
Classification: Pathogenic for Coffin-Siris syndrome 1. Last evaluated: 2025-12-23. Review status: criteria provided, single submitter. Criteria: ACMG Guidelines, 2015. Collection method: clinical testing. Allele origin: germline. Affected: yes.
Comment: The variant is not observed in the gnomAD v4.1.0 dataset. Predicted Consequence/Location: Stop-gained (nonsense): predicted to result in a loss or disruption of normal protein function through nonsense-mediated decay (NMD) or protein truncation. Multiple pathogenic variants are reported downstream of the variant. The variant has been reported at least twice as pathogenic without evidence for the classification (ClinVar ID: VCV000560949 /PMID: 34906496). Therefore, this variant is classified as Pathogenic according to the recommendation of ACMG/AMP guideline.

Baylor Genetics
Classification: Pathogenic for ARID1B-related BAFopathy. Last evaluated: 2021-06-10. Review status: criteria provided, single submitter. Criteria: ACMG Guidelines, 2015. Collection method: clinical testing. Allele origin: unknown. Affected: yes.

Baylor Genetics
Classification: Pathogenic for Coffin-Siris syndrome 1. Last evaluated: 2017-09-01. Review status: criteria provided, single submitter. Criteria: ACMG Guidelines, 2015. Collection method: clinical testing. Allele origin: germline. Inheritance: Autosomal dominant inheritance. Affected: yes.
Comment: At time of reporting, this nonsense mutation was novel.

Literature cited by the submitters: PubMed 34906496 (cited by 3billion); PubMed 25326635 (cited by Baylor Genetics).

NM_001374828.1(ARID1B):c.3597C>G (p.Tyr1199Ter)

Gene: ARID1B (AT-rich interaction domain 1B; plus strand). Cytogenetic location: 6q25.3.
Variant type: single nucleotide variant.
Coding change: c.3597C>G on transcript NM_001374828.1 (MANE Select); coding-DNA position 3597, C replaced by G.
Protein change: p.Tyr1199Ter; replaces tyrosine 1199 with a stop codon.
Molecular consequence: nonsense.
Genome position (GRCh38, 1-based): chr6:157,181,061, C>G. VCF-style: chr6-157181061-C-G. GRCh37 (hg19) VCF-style: chr6-157502195-C-G.
Other names: c.3228C>G, p.Tyr1076Ter (NM_020732.3); c.1098C>G, p.Tyr366Ter (NM_001363725.2); c.3477C>G, p.Tyr1159Ter (NM_001371656.1, NM_001374820.1); c.3438C>G, p.Tyr1146Ter (NM_017519.3); short protein forms Y1076*, Y366*, Y1146*, Y1159*, Y1199*.
Identifiers: ClinVar variation 560949 (VCV000560949.4), dbSNP rs1562328526, ClinGen allele CA366227648.